The following is an entry in ClinVar:

ClinVar aggregate classification (germline): Likely benign. Review status: criteria provided, single submitter (1 of 4 stars). 2 submissions from 1 submitter: Likely benign (2). Last evaluated 2018-01-12.

Conditions:
Short-rib thoracic dysplasia 7 with or without polydactyly (SRTD7). Also called: Short rib polydactyly syndrome 5; SHORT-RIB THORACIC DYSPLASIA 7 WITH POLYDACTYLY. Identifiers: Orphanet 498497, Orphanet 93271, MedGen C3279792, MONDO:0013569, OMIM 614091.
Cranioectodermal dysplasia 2 (CED2). Identifiers: Orphanet 1515, MedGen C3150874, MONDO:0013323, OMIM 613610.

Allele frequency attached by ClinVar (database versions not stated): gnomAD 0.00149 and 0.00158; TOPMed 0.00185; 1000 Genomes Project 30x 0.00219; 1000 Genomes Project 0.00240.
gnomAD v4.1: 227 of 152,292 alleles (0.15%); highest among the groups gnomAD compares: African/African-American, 0.53%; no homozygotes.

Submissions (2):

Illumina Laboratory Services, Illumina
Classification: Likely benign for Short-rib thoracic dysplasia 7 with or without polydactyly. Last evaluated: 2018-01-12. Review status: criteria provided, single submitter. Criteria: ICSL Variant Classification Criteria 13 December 2019. Collection method: clinical testing. Allele origin: germline.
Comment: This variant was observed in the ICSL laboratory as part of a predisposition screen in an ostensibly healthy population. It had not been previously curated by ICSL or reported in the Human Gene Mutation Database (HGMD: prior to June 1st, 2018), and was therefore a candidate for classification through an automated scoring system. Utilizing variant allele frequency, disease prevalence and penetrance estimates, and inheritance mode, an automated score was calculated to assess if this variant is too frequent to cause the disease. Based on the score and internal cut-off values, a variant classified as likely benign is not then subjected to further curation. The score for this variant resulted in a classification of likely benign for this disease.

Illumina Laboratory Services, Illumina
Classification: Likely benign for Cranioectodermal dysplasia 2. Last evaluated: 2018-01-12. Review status: criteria provided, single submitter. Criteria: ICSL Variant Classification Criteria 13 December 2019. Collection method: clinical testing. Allele origin: germline.
Comment: the same text as in the submission from Illumina Laboratory Services, Illumina above.

NM_020779.4(WDR35):c.*1681A>G

Gene: WDR35 (WD repeat domain 35; minus strand). Cytogenetic location: 2p24.1.
Variant type: single nucleotide variant.
Coding change: c.*1681A>G on transcript NM_020779.4 (MANE Select); 1681 bases downstream of the stop codon, A replaced by G.
Molecular consequence: 3 prime UTR variant.
Genome position (GRCh38, 1-based): chr2:19,911,877, T>C on the plus strand (A>G on the coding strand, the complement: WDR35 is on the minus strand). VCF-style: chr2-19911877-T-C. GRCh37 (hg19) VCF-style: chr2-20111638-T-C.
Other names: c.*1681A>G (NM_001006657.2).
Identifiers: ClinVar variation 333341 (VCV000333341.5), dbSNP rs188310451, ClinGen allele CA10613430.